The following is an entry in ClinVar:

ClinVar aggregate classification (germline): Uncertain significance (1 of 4 stars; one submission).

Conditions:
Cardiovascular phenotype. Identifiers: MedGen CN230736.

Submission:

Ambry Genetics
Classification: Uncertain significance for Cardiovascular phenotype. Last evaluated: 2026-07-04. Review status: criteria provided, single submitter. Criteria: Ambry Variant Classification Scheme 2023. Collection method: clinical testing. Allele origin: germline.
Comment: The p.R896H variant (also known as c.2687G>A), located in coding exon 17 of the SOS1 gene, results from a G to A substitution at nucleotide position 2687. The arginine at codon 896 is replaced by histidine, an amino acid with highly similar properties. This amino acid position is conserved. In addition, the in silico prediction for this alteration is inconclusive. Based on the available evidence, the clinical significance of this variant remains unclear.

NM_005633.4(SOS1):c.2687G>A (p.Arg896His)

Gene: SOS1 (SOS Ras/Rac guanine nucleotide exchange factor 1; minus strand). Cytogenetic location: 2p22.1.
Variant type: single nucleotide variant.
Coding change: c.2687G>A on transcript NM_005633.4 (MANE Select); coding-DNA position 2687, G replaced by A.
Protein change: p.Arg896His; replaces arginine 896 with histidine.
Molecular consequence: missense variant.
Genome position (GRCh38, 1-based): chr2:39,006,516, C>T on the plus strand (G>A on the coding strand, the complement: SOS1 is on the minus strand). VCF-style: chr2-39006516-C-T. GRCh37 (hg19) VCF-style: chr2-39233657-C-T.
Other names: c.2666G>A, p.Arg889His (NM_001382394.1); c.2687G>A, p.Arg896His (NM_001382395.1); short protein forms R896H, R889H.
Identifiers: ClinVar variation 5030009 (VCV005030009.1).
Genomic context (GRCh38, chr2:39,006,516, plus strand): 5'-AAATATTTCTTATAGTGATCTTCACTCAATTCATGAGCTTCTTCTAAAATTTTCTTCTGG[C>T]GACTTGGTATTTGCTATAAGGAAAAAAAATAGGCGTAAGTTTACAAAAGGAATCAAAGGT-3'
Protein context (NP_005624.2, residues 886-906): LDHTFEQIPS[Arg896His]QKKILEEAHE